The following is an entry in ClinVar:

ClinVar aggregate classification (germline): Uncertain significance (1 of 4 stars; one submission).

Conditions:
Hypertrophic cardiomyopathy 26. Also called: Cardiomyopathy, familial hypertrophic, 26. Identifiers: Orphanet 75249, MedGen C4310749, MONDO:0014883, OMIM 617047.
Myofibrillar myopathy 5. Also called: Filaminopathy (type); FILAMINOPATHY, AUTOSOMAL DOMINANT. Identifiers: Orphanet 171445, MedGen C1836050, MONDO:0012289, OMIM 609524.
Distal myopathy with posterior leg and anterior hand involvement. Also called: WILLIAMS DISTAL MYOPATHY. Identifiers: Orphanet 63273, MedGen C3279722, MONDO:0013550, OMIM 614065.

Submission:

Labcorp Genetics (formerly Invitae), Labcorp
Classification: Uncertain significance for Distal myopathy with posterior leg and anterior hand involvement; Myofibrillar myopathy 5; Hypertrophic cardiomyopathy 26. Last evaluated: 2025-04-24. Review status: criteria provided, single submitter. Criteria: Invitae Variant Classification Sherloc (09022015). Collection method: clinical testing. Allele origin: germline.
Comment: This sequence change falls in intron 13 of the FLNC gene. It does not directly change the encoded amino acid sequence of the FLNC protein. It affects a nucleotide within the consensus splice site. This variant is not present in population databases (gnomAD no frequency). This variant has not been reported in the literature in individuals affected with FLNC-related conditions. Variants that disrupt the consensus splice site are a relatively common cause of aberrant splicing (PMID: 17576681, 9536098). Algorithms developed to predict the effect of sequence changes on RNA splicing suggest that this variant is not likely to affect RNA splicing. In summary, the available evidence is currently insufficient to determine the role of this variant in disease. Therefore, it has been classified as a Variant of Uncertain Significance.

Literature cited by the submitters: PubMed 17576681; PubMed 9536098.

NM_001458.5(FLNC):c.2121+5G>C

Gene: FLNC (filamin C; plus strand). Cytogenetic location: 7q32.1.
Variant type: single nucleotide variant.
Coding change: c.2121+5G>C on transcript NM_001458.5 (MANE Select); 5 bases into the intron after coding-DNA position 2121, G replaced by C.
Molecular consequence: intron variant.
Genome position (GRCh38, 1-based): chr7:128,841,572, G>C. VCF-style: chr7-128841572-G-C. GRCh37 (hg19) VCF-style: chr7-128481626-G-C.
Other names: c.2121+5G>C (NM_001127487.2).
Identifiers: ClinVar variation 4812479 (VCV004812479.1).